The following is an entry in ClinVar:

NM_005585.5(SMAD6):c.752C>G (p.Ala251Gly)

Gene: SMAD6 (SMAD family member 6; plus strand). Cytogenetic location: 15q22.31.
Variant type: single nucleotide variant.
Coding change: c.752C>G on transcript NM_005585.5 (MANE Select); coding-DNA position 752, C replaced by G.
Protein change: p.Ala251Gly; replaces alanine 251 with glycine.
Molecular consequence: missense variant. On other transcripts: non-coding transcript variant (1).
Genome position (GRCh38, 1-based): chr15:66,704,010, C>G. VCF-style: chr15-66704010-C-G. GRCh37 (hg19) VCF-style: chr15-66996348-C-G.
Other names: short protein forms A251G.
Identifiers: ClinVar variation 3656194 (VCV003656194.2).

ClinVar aggregate classification (germline): Uncertain significance (1 of 4 stars; one submission).

Conditions:
Aortic valve disease 2 (AOVD2). Identifiers: MedGen C3542024, MONDO:0013902, OMIM 614823.

Submission:

Labcorp Genetics (formerly Invitae), Labcorp
Classification: Uncertain significance for Aortic valve disease 2. Last evaluated: 2024-06-11. Review status: criteria provided, single submitter. Criteria: Invitae Variant Classification Sherloc (09022015). Collection method: clinical testing. Allele origin: germline.
Comment: This sequence change replaces alanine, which is neutral and non-polar, with glycine, which is neutral and non-polar, at codon 251 of the SMAD6 protein (p.Ala251Gly). This variant is not present in population databases (gnomAD no frequency). This variant has not been reported in the literature in individuals affected with SMAD6-related conditions. Advanced modeling of protein sequence and biophysical properties (such as structural, functional, and spatial information, amino acid conservation, physicochemical variation, residue mobility, and thermodynamic stability) performed at Invitae indicates that this missense variant is not expected to disrupt SMAD6 protein function with a negative predictive value of 80%. In summary, the available evidence is currently insufficient to determine the role of this variant in disease. Therefore, it has been classified as a Variant of Uncertain Significance.